The following is an entry in ClinVar:

ClinVar aggregate classification (germline): Likely pathogenic (1 of 4 stars; one submission).

Conditions:
Hypertrophic cardiomyopathy. Also called: HYPERTROPHIC MYOCARDIOPATHY. Identifiers: Orphanet 217569, MedGen C0007194, MeSH D002312, MONDO:0005045, HP:0001639.

Submission:

Labcorp Genetics (formerly Invitae), Labcorp
Classification: Likely pathogenic for Hypertrophic cardiomyopathy. Last evaluated: 2025-02-12. Review status: criteria provided, single submitter. Criteria: Invitae Variant Classification Sherloc (09022015). Collection method: clinical testing. Allele origin: germline.
Comment: This sequence change affects an acceptor splice site in intron 5 of the TNNI3 gene. It is expected to disrupt RNA splicing. Variants that disrupt the donor or acceptor splice site typically lead to a loss of protein function (PMID: 16199547), and loss-of-function variants in TNNI3 are known to be pathogenic (PMID: 31568572, 34036930, 35838873). This variant is not present in population databases (gnomAD no frequency). This variant has not been reported in the literature in individuals affected with TNNI3-related conditions. Algorithms developed to predict the effect of sequence changes on RNA splicing suggest that this variant may disrupt the consensus splice site. In summary, the currently available evidence indicates that the variant is pathogenic, but additional data are needed to prove that conclusively. Therefore, this variant has been classified as Likely Pathogenic.

Literature cited by the submitters: PubMed 16199547; PubMed 31568572; PubMed 34036930; PubMed 35838873.

NM_000363.5(TNNI3):c.283-1G>A

Gene: TNNI3 (troponin I3, cardiac type; minus strand). Cytogenetic location: 19q13.42.
Variant type: single nucleotide variant.
Coding change: c.283-1G>A on transcript NM_000363.5 (MANE Select); the canonical splice acceptor site of the intron before coding-DNA position 283, G replaced by A.
Molecular consequence: splice acceptor variant.
Genome position (GRCh38, 1-based): chr19:55,154,831, C>T on the plus strand (G>A on the coding strand, the complement: TNNI3 is on the minus strand). VCF-style: chr19-55154831-C-T. GRCh37 (hg19) VCF-style: chr19-55666199-C-T.
Identifiers: ClinVar variation 4712871 (VCV004712871.1).